The following is an entry in ClinVar:

ClinVar aggregate classification (germline): Benign/Likely benign. Review status: criteria provided, multiple submitters, no conflicts (2 of 4 stars). 4 submissions from 4 submitters: Benign (1); Likely benign (2). 1 of the submissions does not count toward it. Last evaluated 2026-01-02.

Conditions:
SCLT1-related disorder. Also called: SCLT1-related condition.

Submissions (4):

Labcorp Genetics (formerly Invitae), Labcorp
Classification: Benign. Last evaluated: 2026-01-02. Review status: criteria provided, single submitter. Criteria: Invitae Variant Classification Sherloc (09022015). Collection method: clinical testing. Allele origin: germline.

Blueprint Genetics
Classification: Likely benign. Last evaluated: 2024-09-02. Review status: criteria provided, single submitter. Criteria: ACMG Guidelines, 2015. Collection method: clinical testing. Allele origin: germline.

CeGaT Center for Human Genetics Tuebingen
Classification: Likely benign. Last evaluated: 2022-03-01. Review status: criteria provided, single submitter. Criteria: CeGaT Center For Human Genetics Tuebingen Variant Classification Criteria Version 2. Collection method: clinical testing. Allele origin: germline. Affected: yes. Observed: 1 variant allele.
Comment: SCLT1: BP4

PreventionGenetics, part of Exact Sciences
Classification: Likely benign for SCLT1-related condition. Last evaluated: 2024-07-25. Review status: no assertion criteria provided. Collection method: clinical testing. Allele origin: germline. Not counted in ClinVar's aggregate classification.
Comment: This variant is classified as likely benign based on ACMG/AMP sequence variant interpretation guidelines (Richards et al. 2015 PMID: 25741868, with internal and published modifications).

NM_144643.4(SCLT1):c.1293+3dup

Gene: SCLT1 (sodium channel and clathrin linker 1; minus strand). Cytogenetic location: 4q28.2.
Variant type: Duplication.
Coding change: c.1293+3dup on transcript NM_144643.4 (MANE Select); 3 bases into the intron after coding-DNA position 1293, one base duplicated (A; older notation c.1293+3dupA).
Molecular consequence: intron variant.
Genome position (GRCh38, 1-based): chr4:128,948,489, T duplicated on the plus strand (A on the coding strand, the reverse complement: SCLT1 is on the minus strand); the first of 5 consecutive T bases (chr4:128,948,489-128,948,493); duplicating any one gives the same sequence. VCF-style (leftmost placement, unchanged base first): chr4-128948488-C-CT. GRCh37 (hg19) VCF-style: chr4-129869643-C-CT.
Other names: c.1293+7dupA (NM_144643.3).
Identifiers: ClinVar variation 1164109 (VCV001164109.34), dbSNP rs200598720, ClinGen allele CA3079670.